The following is an entry in ClinVar:

ClinVar aggregate classification (germline): Pathogenic/Likely pathogenic. Review status: criteria provided, multiple submitters, no conflicts (2 of 4 stars). 3 submissions from 3 submitters: Pathogenic (2); Likely pathogenic (1). Last evaluated 2022-08-21.

Conditions:
RPGR-related disorder. Also called: RPGR-related condition.
Primary ciliary dyskinesia. Also called: Ciliary dyskinesia. Identifiers: Orphanet 244, MedGen C0008780, MONDO:0016575, HP:0012265.

Submissions (3):

Labcorp Genetics (formerly Invitae), Labcorp
Classification: Pathogenic for Primary ciliary dyskinesia. Last evaluated: 2022-08-21. Review status: criteria provided, single submitter. Criteria: Invitae Variant Classification Sherloc (09022015). Collection method: clinical testing. Allele origin: germline.
Comment: ClinVar contains an entry for this variant (Variation ID: 92857). This variant has not been reported in the literature in individuals affected with RPGR-related conditions. This variant is not present in population databases (gnomAD no frequency). This sequence change creates a premature translational stop signal (p.Glu169*) in the RPGR gene. It is expected to result in an absent or disrupted protein product. Loss-of-function variants in RPGR are known to be pathogenic (PMID: 16055928, 16969763). Algorithms developed to predict the effect of sequence changes on RNA splicing suggest that this variant may disrupt the consensus splice site. For these reasons, this variant has been classified as Pathogenic.

Blueprint Genetics
Classification: Likely pathogenic for RPGR-related disorders. Last evaluated: 2019-05-27. Review status: criteria provided, single submitter. Criteria: ACMG Guidelines, 2015. Collection method: clinical testing. Allele origin: germline. Affected: yes. Observed: 1 variant allele.

Eurofins Ntd Llc (ga)
Classification: Pathogenic. Last evaluated: 2016-03-31. Review status: criteria provided, single submitter. Criteria: EGL Classification Definitions. Collection method: clinical testing. Allele origin: germline. Observed: 2 variant alleles, 2 hemizygotes.

Literature cited by the submitters: PubMed 16055928 (cited by Labcorp Genetics (formerly Invitae), Labcorp); PubMed 16969763 (cited by Labcorp Genetics (formerly Invitae), Labcorp).

NM_001034853.2(RPGR):c.505G>T (p.Glu169Ter)

Gene: RPGR (retinitis pigmentosa GTPase regulator; minus strand). Cytogenetic location: Xp11.4.
Variant type: single nucleotide variant.
Coding change: c.505G>T on transcript NM_001034853.2 (MANE Select); coding-DNA position 505, G replaced by T.
Protein change: p.Glu169Ter; replaces glutamic acid 169 with a stop codon.
Molecular consequence: nonsense. On other transcripts: non-coding transcript variant (6).
Genome position (GRCh38, 1-based): chrX:38,317,430, C>A on the plus strand (G>T on the coding strand, the complement: RPGR is on the minus strand). VCF-style: chrX-38317430-C-A. GRCh37 (hg19) VCF-style: chrX-38176683-C-A.
Other names: c.505G>T, p.Glu169Ter (NM_000328.3, NM_001367245.1, NM_001367246.1 and 3 more transcripts); c.535G>T, p.Glu179Ter (NM_001367248.1); c.502G>T, p.Glu168Ter (NM_001367249.1); short protein forms E169*, E179*, E168*.
Identifiers: ClinVar variation 92857 (VCV000092857.14), dbSNP rs369037463, ClinGen allele CA220674.